The following is an entry in ClinVar:

NM_016653.3(MAP3K20):c.1850G>T (p.Arg617Leu)

Genes: MAP3K20 (mitogen-activated protein kinase kinase kinase 20; plus strand), MAP3K20-AS1 (MAP3K20 antisense RNA 1; minus strand). Cytogenetic location: 2q31.1.
Variant type: single nucleotide variant.
Coding change: c.1850G>T on transcript NM_016653.3 (MANE Select); coding-DNA position 1850, G replaced by T.
Protein change: p.Arg617Leu; replaces arginine 617 with leucine.
Molecular consequence: missense variant.
Genome position (GRCh38, 1-based): chr2:173,266,197, G>T. VCF-style: chr2-173266197-G-T. GRCh37 (hg19) VCF-style: chr2-174130925-G-T.
Other names: short protein forms R617L.
Identifiers: ClinVar variation 2008497 (VCV002008497.4), dbSNP rs771908220, ClinGen allele CA349317275.
Genomic context (GRCh38, chr2:173,266,197, plus strand): 5'-TGGGGTCACCGTTCTTCTCACACTTTGATGGCCAGGATTCCTACGCTGCTGCTGTGAGAC[G>T]GCCCCAGGTGCCCATTAAGTATCAACAGATTACACCTGTGAACCAGTCCAGAAGCTCGTC-3'
Protein context (NP_057737.2, residues 607-627): GQDSYAAAVR[Arg617Leu]PQVPIKYQQI

ClinVar aggregate classification (germline): Uncertain significance (1 of 4 stars; one submission).

gnomAD v4.1: 5 of 1,613,992 alleles (0.00031%); highest among the groups gnomAD compares: Non-Finnish European, 0.00042%; no homozygotes.

Submission:

Labcorp Genetics (formerly Invitae), Labcorp
Classification: Uncertain significance. Last evaluated: 2022-06-19. Review status: criteria provided, single submitter. Criteria: Invitae Variant Classification Sherloc (09022015). Collection method: clinical testing. Allele origin: germline.
Comment: In summary, the available evidence is currently insufficient to determine the role of this variant in disease. Therefore, it has been classified as a Variant of Uncertain Significance. Experimental studies and prediction algorithms are not available or were not evaluated, and the functional significance of this variant is currently unknown. This variant has not been reported in the literature in individuals affected with MAP3K20-related conditions. This variant is present in population databases (no rsID available, gnomAD 0.0009%). This sequence change replaces arginine, which is basic and polar, with leucine, which is neutral and non-polar, at codon 617 of the MAP3K20 protein (p.Arg617Leu).